The following is an entry in ClinVar:

ClinVar aggregate classification (germline): Conflicting classifications of pathogenicity. Review status: criteria provided, conflicting classifications (1 of 4 stars). 4 submissions from 4 submitters: Uncertain significance (1); Likely benign (3). Last evaluated 2026-01-01.

Conditions:
FANCM-related disorder. Also called: FANCM-related condition.
Fanconi anemia (FA). Also called: Fanconi's anemia. Identifiers: Orphanet 84, MedGen C0015625, MeSH D005199, MONDO:0019391.

Allele frequency attached by ClinVar (database versions not stated): TOPMed below 0.00001.
gnomAD v4.1: 4 of 1,600,542 alleles (0.00025%); no homozygotes.

Submissions (4):

Labcorp Genetics (formerly Invitae), Labcorp
Classification: Likely benign for Fanconi anemia. Last evaluated: 2026-01-01. Review status: criteria provided, single submitter. Criteria: Invitae Variant Classification Sherloc (09022015). Collection method: clinical testing. Allele origin: germline.

PreventionGenetics, part of Exact Sciences
Classification: Likely benign for FANCM-related condition. Last evaluated: 2025-08-18. Review status: criteria provided, single submitter. Criteria: ACMG Guidelines, 2015. Collection method: clinical testing. Allele origin: germline.
Comment: This variant is classified as likely benign based on ACMG/AMP sequence variant interpretation guidelines (Richards et al. 2015 PMID: 25741868, with internal and published modifications).

Quest Diagnostics Nichols Institute San Juan Capistrano
Classification: Uncertain significance. Last evaluated: 2025-08-13. Review status: criteria provided, single submitter. Criteria: Quest Diagnostics criteria. Collection method: clinical testing. Allele origin: unknown.
Comment: The FANCM c.1200A>G (p.Lys400=) synonymous variant has not been reported in individuals with FANCM-related conditions in the published literature. This variant has not been reported in large, multi-ethnic general populations (Genome Aggregation Database). Analysis of this variant using software algorithms for the prediction of the effect of nucleotide changes on splicing yielded predictions that this variant does not affect FANCM mRNA splicing. Based on the available information, we are unable to determine the clinical significance of this variant.

Blueprint Genetics
Classification: Likely benign. Last evaluated: 2024-10-16. Review status: criteria provided, single submitter. Criteria: ACMG Guidelines, 2015. Collection method: clinical testing. Allele origin: germline.

NM_020937.4(FANCM):c.1200A>G (p.Lys400=)

Gene: FANCM (FA complementation group M; plus strand). Cytogenetic location: 14q21.2.
Variant type: single nucleotide variant.
Coding change: c.1200A>G on transcript NM_020937.4 (MANE Select); coding-DNA position 1200, A replaced by G.
Protein change: p.Lys400=; no amino-acid change (lysine 400 retained).
Molecular consequence: synonymous variant.
Genome position (GRCh38, 1-based): chr14:45,154,713, A>G. VCF-style: chr14-45154713-A-G. GRCh37 (hg19) VCF-style: chr14-45623916-A-G.
Other names: c.1200A>G (NM_020937.3); c.1122A>G, p.Lys374= (NM_001308133.2); c.1200A>G, p.Lys400= (NM_001308134.2).
Identifiers: ClinVar variation 699358 (VCV000699358.14), dbSNP rs905295349, ClinGen allele CA259616444.